The following is an entry in ClinVar:

ClinVar aggregate classification (germline): Benign/Likely benign. Review status: criteria provided, multiple submitters, no conflicts (2 of 4 stars). 8 submissions from 8 submitters: Benign (5); Likely benign (3). Last evaluated 2026-09-01.

Conditions:
ATL3-related disorder. Also called: ATL3-related condition.
Neuropathy, hereditary sensory, type 1F. Also called: Hereditary sensory neuropathy type IF; HSN IF. Identifiers: Orphanet 36386, MedGen C3810194, MONDO:0014286, OMIM 615632.

Allele frequency attached by ClinVar (database versions not stated): 1000 Genomes Project 30x 0.00016; 1000 Genomes Project 0.00020; TOPMed 0.00131; gnomAD 0.00152 and 0.00159; ESP Exome Variant Server 0.00168; gnomAD exomes 0.00170 and 0.00192; ExAC 0.00201.
gnomAD v4.1: 3,005 of 1,607,496 alleles (0.19%); highest among the groups gnomAD compares: Non-Finnish European, 0.21%; 4 homozygotes.

Submissions (8):

CeGaT Center for Human Genetics Tuebingen
Classification: Likely benign. Last evaluated: 2026-09-01. Review status: criteria provided, single submitter. Criteria: CeGaT Center For Human Genetics Tuebingen Variant Classification Criteria Version 2. Collection method: clinical testing. Allele origin: germline. Affected: yes. Observed: 5 variant alleles.
Comment: ATL3: BP4, BP7

Women's Health and Genetics/Laboratory Corporation of America, LabCorp
Classification: Benign. Last evaluated: 2026-04-15. Review status: criteria provided, single submitter. Criteria: LabCorp Variant Classification Summary - May 2015. Collection method: clinical testing. Allele origin: germline.

Labcorp Genetics (formerly Invitae), Labcorp
Classification: Benign for Neuropathy, hereditary sensory, type 1F. Last evaluated: 2026-01-27. Review status: criteria provided, single submitter. Criteria: Invitae Variant Classification Sherloc (09022015). Collection method: clinical testing. Allele origin: germline.

PreventionGenetics, part of Exact Sciences
Classification: Likely benign for ATL3-related condition. Last evaluated: 2025-02-18. Review status: criteria provided, single submitter. Criteria: ACMG Guidelines, 2015. Collection method: clinical testing. Allele origin: germline.
Comment: This variant is classified as likely benign based on ACMG/AMP sequence variant interpretation guidelines (Richards et al. 2015 PMID: 25741868, with internal and published modifications).

Blueprint Genetics
Classification: Likely benign. Last evaluated: 2024-11-26. Review status: criteria provided, single submitter. Criteria: ACMG Guidelines, 2015. Collection method: clinical testing. Allele origin: germline.

Mayo Clinic Laboratories, Mayo Clinic
Classification: Benign. Last evaluated: 2022-12-22. Review status: criteria provided, single submitter. Criteria: ACMG Guidelines, 2015. Collection method: clinical testing. Allele origin: germline. Observed: 6 variant alleles.
Comment: BS1, BS2, BP4, BP7

Genome-Nilou Lab
Classification: Benign for Neuropathy, hereditary sensory, type 1F. Last evaluated: 2021-12-05. Review status: criteria provided, single submitter. Criteria: ACMG Guidelines, 2015. Collection method: clinical testing. Allele origin: germline. Affected: no.

GeneDx
Classification: Benign. Last evaluated: 2021-05-12. Review status: criteria provided, single submitter. Criteria: GeneDx Variant Classification Process June 2021. Collection method: clinical testing. Allele origin: germline. Affected: yes.

NM_015459.5(ATL3):c.418C>T (p.Leu140=)

Genes: ATL3 (atlastin GTPase 3; minus strand), LNCROPM (lncRNA regulator of PLAAT3 mediated phospholipid metabolism; plus strand). Cytogenetic location: 11q13.1.
Variant type: single nucleotide variant.
Coding change: c.418C>T on transcript NM_015459.5 (MANE Select); coding-DNA position 418, C replaced by T.
Protein change: p.Leu140=; no amino-acid change (leucine 140 retained).
Molecular consequence: synonymous variant.
Genome position (GRCh38, 1-based): chr11:63,652,563, G>A on the plus strand (C>T on the coding strand, the complement: ATL3 is on the minus strand). VCF-style: chr11-63652563-G-A. GRCh37 (hg19) VCF-style: chr11-63420035-G-A.
Other names: p.Leu140=; c.364C>T, p.Leu122= (NM_001290048.2).
Identifiers: ClinVar variation 474839 (VCV000474839.56), dbSNP rs34261014, ClinGen allele CA6063791.